The following is an entry in ClinVar:

ClinVar aggregate classification (germline): Likely benign (1 of 4 stars; one submission).

Submission:

CeGaT Center for Human Genetics Tuebingen
Classification: Likely benign. Last evaluated: 2025-04-01. Review status: criteria provided, single submitter. Criteria: CeGaT Center For Human Genetics Tuebingen Variant Classification Criteria Version 2. Collection method: clinical testing. Allele origin: germline. Affected: yes. Observed: 1 variant allele.
Comment: CHRFAM7A: BP4, BP7

NM_139320.2(CHRFAM7A):c.591C>T (p.Ser197=)

Gene: CHRFAM7A (CHRNA7 (exons 5-10) and FAM7A (exons A-E) fusion; minus strand). Cytogenetic location: 15q13.2.
Variant type: single nucleotide variant.
Coding change: c.591C>T on transcript NM_139320.2 (MANE Select); coding-DNA position 591, C replaced by T.
Protein change: p.Ser197=; no amino-acid change (serine 197 retained).
Molecular consequence: synonymous variant.
Genome position (GRCh38, 1-based): chr15:30,371,117, G>A on the plus strand (C>T on the coding strand, the complement: CHRFAM7A is on the minus strand). VCF-style: chr15-30371117-G-A. GRCh37 (hg19) VCF-style: chr15-30663320-G-A.
Other names: c.318C>T, p.Ser106= (NM_148911.1).
Identifiers: ClinVar variation 3777830 (VCV003777830.7).